The following is an entry in ClinVar:

ClinVar aggregate classification (germline): Pathogenic (1 of 4 stars; one submission).

Conditions:
Charcot-Marie-Tooth disease type 2. Also called: Charcot-Marie-Tooth type 2. Identifiers: Orphanet 64746, MedGen C0270914, MONDO:0018993.

Allele frequency attached by ClinVar (database versions not stated): gnomAD exomes below 0.00001.

Submission:

Labcorp Genetics (formerly Invitae), Labcorp
Classification: Pathogenic for Charcot-Marie-Tooth disease type 2. Last evaluated: 2023-07-21. Review status: criteria provided, single submitter. Criteria: Invitae Variant Classification Sherloc (09022015). Collection method: clinical testing. Allele origin: germline.
Comment: This sequence change creates a premature translational stop signal (p.Phe345Serfs*5) in the AARS gene. It is expected to result in an absent or disrupted protein product. Loss-of-function variants in AARS are known to be pathogenic (PMID: 25817015, 28493438, 34446925). This variant is not present in population databases (gnomAD no frequency). This variant has not been reported in the literature in individuals affected with AARS-related conditions. ClinVar contains an entry for this variant (Variation ID: 1903181). For these reasons, this variant has been classified as Pathogenic.

Literature cited by the submitters: PubMed 25817015; PubMed 28493438; PubMed 34446925.

NM_001605.3(AARS1):c.1032del (p.Phe345fs)

Gene: AARS1 (alanyl-tRNA synthetase 1; minus strand). Cytogenetic location: 16q22.1.
Variant type: Deletion.
Coding change: c.1032del on transcript NM_001605.3 (MANE Select); coding-DNA position 1032, one base deleted (C; older notation c.1032delC).
Protein change: p.Phe345fs; shifts the reading frame from phenylalanine 345.
Molecular consequence: frameshift variant.
Genome position (GRCh38, 1-based): chr16:70,268,310, G deleted on the plus strand (C on the coding strand, the reverse complement: AARS1 is on the minus strand). VCF-style (leftmost placement, unchanged base first): chr16-70268309-AG-A. GRCh37 (hg19) VCF-style: chr16-70302212-AG-A.
Other names: short protein forms F345fs.
Identifiers: ClinVar variation 1903181 (VCV001903181.5), dbSNP rs2507013974, ClinGen allele CA2580091915.